The following is an entry in ClinVar:

NM_020806.5(GPHN):c.1720A>G (p.Thr574Ala)

Gene: GPHN (gephyrin; plus strand). Cytogenetic location: 14q23.3.
Variant type: single nucleotide variant.
Coding change: c.1720A>G on transcript NM_020806.5 (MANE Select); coding-DNA position 1720, A replaced by G.
Protein change: p.Thr574Ala; replaces threonine 574 with alanine.
Molecular consequence: missense variant.
Genome position (GRCh38, 1-based): chr14:67,122,349, A>G. VCF-style: chr14-67122349-A-G. GRCh37 (hg19) VCF-style: chr14-67589066-A-G.
Other names: c.1621A>G, p.Thr541Ala (NM_001024218.2); c.1780A>G, p.Thr594Ala (NM_001377514.1); c.1750A>G, p.Thr584Ala (NM_001377515.1); c.1741A>G, p.Thr581Ala (NM_001377516.1); c.1693A>G, p.Thr565Ala (NM_001377517.1); c.1678A>G, p.Thr560Ala (NM_001377518.1); c.1660A>G, p.Thr554Ala (NM_001377519.1); short protein forms T581A, T584A, T541A, T560A, T594A, T554A, T565A, T574A.
Identifiers: ClinVar variation 4265570 (VCV004265570.2).
Genomic context (GRCh38, chr14:67,122,349, plus strand): 5'-AAGATTCGAGACAGCAATCGTTCAACTCTTCTAGCAACAATTCAGGAACATGGTTACCCC[A>G]CGATCAACTTGGGTATTGTAGGAGACAAGTAAGTATTTGATGTCATTCTGAAAAGTTTGT-3'
Protein context (NP_065857.1, residues 564-584): LATIQEHGYP[Thr574Ala]INLGIVGDNP

ClinVar aggregate classification (germline): Uncertain significance. Review status: criteria provided, multiple submitters, no conflicts (2 of 4 stars). 2 submissions from 2 submitters: Uncertain significance (2). Last evaluated 2025-09-17.

Conditions:
Sulfite oxidase deficiency due to molybdenum cofactor deficiency type C. Also called: Molybdenum cofactor deficiency, complementation group C; Molybdenum cofactor deficiency C. Identifiers: Orphanet 308400, Orphanet 833, MedGen C1854990, MONDO:0014212, OMIM 615501.
Inborn genetic diseases. Identifiers: MedGen C0950123, MeSH D030342.

gnomAD v4.1: 4 of 1,613,352 alleles (0.00025%); highest among the groups gnomAD compares: Admixed American, 0.0033%; no homozygotes.

Submissions (2):

Labcorp Genetics (formerly Invitae), Labcorp
Classification: Uncertain significance for Sulfite oxidase deficiency due to molybdenum cofactor deficiency type C. Last evaluated: 2025-09-17. Review status: criteria provided, single submitter. Criteria: Invitae Variant Classification Sherloc (09022015). Collection method: clinical testing. Allele origin: germline.
Comment: This sequence change replaces threonine, which is neutral and polar, with alanine, which is neutral and non-polar, at codon 574 of the GPHN protein (p.Thr574Ala). This variant is present in population databases (no rsID available, gnomAD 0.006%). This variant has not been reported in the literature in individuals affected with GPHN-related conditions. Invitae Evidence Modeling of protein sequence and biophysical properties (such as structural, functional, and spatial information, amino acid conservation, physicochemical variation, residue mobility, and thermodynamic stability) indicates that this missense variant is not expected to disrupt GPHN protein function with a negative predictive value of 80%. In summary, the available evidence is currently insufficient to determine the role of this variant in disease. Therefore, it has been classified as a Variant of Uncertain Significance.

Ambry Genetics
Classification: Uncertain significance for Inborn genetic diseases. Last evaluated: 2025-08-04. Review status: criteria provided, single submitter. Criteria: Ambry Variant Classification Scheme 2023. Collection method: clinical testing. Allele origin: germline.